The following is an entry in ClinVar:

ClinVar aggregate classification (germline): Uncertain significance. Review status: criteria provided, multiple submitters, no conflicts (2 of 4 stars). 2 submissions from 2 submitters: Uncertain significance (2). Last evaluated 2020-08-04.

Conditions:
Dilated cardiomyopathy 1JJ (CMD1JJ). Identifiers: Orphanet 154, MedGen C3808935, MONDO:0014095, OMIM 615235.

Submissions (2):

GeneDx
Classification: Uncertain significance. Last evaluated: 2020-08-04. Review status: criteria provided, single submitter. Criteria: GeneDx Variant Classification Process June 2021. Collection method: clinical testing. Allele origin: germline. Affected: yes.
Comment: Has not been previously published as pathogenic or benign to our knowledge; Not observed in large population cohorts (Lek et al., 2016); In silico analysis supports that this missense variant does not alter protein structure/function; Reported in ClinVar as a variant of uncertain significance (ClinVar Variant ID# 642288; Landrum et al., 2016)

Labcorp Genetics (formerly Invitae), Labcorp
Classification: Uncertain significance for Dilated cardiomyopathy 1JJ. Last evaluated: 2018-10-06. Review status: criteria provided, single submitter. Criteria: Invitae Variant Classification Sherloc (09022015). Collection method: clinical testing. Allele origin: germline.
Comment: In summary, the available evidence is currently insufficient to determine the role of this variant in disease. Therefore, it has been classified as a Variant of Uncertain Significance. Algorithms developed to predict the effect of missense changes on protein structure and function output the following: SIFT: "Tolerated"; PolyPhen-2: "Benign"; Align-GVGD: "Class C0". The phenylalanine amino acid residue is found in multiple mammalian species, suggesting that this missense change does not adversely affect protein function. These predictions have not been confirmed by published functional studies and their clinical significance is uncertain. This variant has not been reported in the literature in individuals with LAMA4-related disease. This variant is not present in population databases (ExAC no frequency). This sequence change replaces leucine with phenylalanine at codon 1405 of the LAMA4 protein (p.Leu1405Phe). The leucine residue is highly conserved and there is a small physicochemical difference between leucine and phenylalanine.

NM_001105206.3(LAMA4):c.4234C>T (p.Leu1412Phe)

Gene: LAMA4 (laminin subunit alpha 4; minus strand). Cytogenetic location: 6q21.
Variant type: single nucleotide variant.
Coding change: c.4234C>T on transcript NM_001105206.3 (MANE Select); coding-DNA position 4234, C replaced by T.
Protein change: p.Leu1412Phe; replaces leucine 1412 with phenylalanine.
Molecular consequence: missense variant.
Genome position (GRCh38, 1-based): chr6:112,128,975, G>A on the plus strand (C>T on the coding strand, the complement: LAMA4 is on the minus strand). VCF-style: chr6-112128975-G-A. GRCh37 (hg19) VCF-style: chr6-112450177-G-A.
Other names: c.4213C>T, p.Leu1405Phe (NM_001105207.3, NM_002290.5); short protein forms L1405F, L1412F.
Identifiers: ClinVar variation 642288 (VCV000642288.10), dbSNP rs868967763, ClinGen allele CA365372112.
Genomic context (GRCh38, chr6:112,128,975, plus strand): 5'-CTTTTACCTTTTTATTCTGACTTGCTTTAGGCTTGGATAAATTTTTTCCTTTTTTATGGA[G>A]GAGAAACAATGGTGAAGACTCAATGGGACACTCATAAAGAGAAGTGTGGACCTTTTCAGT-3'
Protein context (NP_001098676.2, residues 1402-1422): CPIESSPLFL[Leu1412Phe]HKKGKNLSKP